The following is an entry in ClinVar:

ClinVar aggregate classification (germline): Pathogenic. Review status: criteria provided, multiple submitters, no conflicts (2 of 4 stars). 3 submissions from 3 submitters: Pathogenic (2). 1 of the submissions does not count toward it. Last evaluated 2026-01-27.

Conditions:
CHM-related disorder. Also called: CHM-related condition.
CHM-related disorders.

Submissions (3):

Labcorp Genetics (formerly Invitae), Labcorp
Classification: Pathogenic. Last evaluated: 2026-01-27. Review status: criteria provided, single submitter. Criteria: Invitae Variant Classification Sherloc (09022015). Collection method: clinical testing. Allele origin: germline.
Comment: This sequence change creates a premature translational stop signal (p.Ala455Glnfs*3) in the CHM gene. It is expected to result in an absent or disrupted protein product. Loss-of-function variants in CHM are known to be pathogenic (PMID: 9067750, 23811034). This variant is not present in population databases (gnomAD no frequency). This premature translational stop signal has been observed in individual(s) with choroideremia (PMID: 27247961, 29555028). ClinVar contains an entry for this variant (Variation ID: 866846). For these reasons, this variant has been classified as Pathogenic.

Blueprint Genetics
Classification: Pathogenic for CHM-related disorders. Last evaluated: 2022-02-28. Review status: criteria provided, single submitter. Criteria: ACMG Guidelines, 2015. Collection method: clinical testing. Allele origin: germline. Affected: yes. Observed: 2 variant alleles.

PreventionGenetics, part of Exact Sciences
Classification: Pathogenic for CHM-related condition. Last evaluated: 2024-02-23. Review status: no assertion criteria provided. Collection method: clinical testing. Allele origin: germline. Not counted in ClinVar's aggregate classification.
Comment: The CHM c.1363delG variant is predicted to result in a frameshift and premature protein termination (p.Ala455Glnfs*3). This variant has been reported in multiple individuals from a kindred with choroideremia (Nesslinger et al. 1996. PubMed ID: 8832720; Freund et al. 2016. PubMed ID: 27247961). This variant has not been reported in a large population database, indicating this variant is rare. Frameshift variants in CHM are expected to be pathogenic. Given the evidence, we interpret this variant as pathogenic.

Literature cited by the submitters: PubMed 9067750 (cited by Labcorp Genetics (formerly Invitae), Labcorp); PubMed 23811034 (cited by Labcorp Genetics (formerly Invitae), Labcorp); PubMed 27247961 (cited by Labcorp Genetics (formerly Invitae), Labcorp); PubMed 29555028 (cited by Labcorp Genetics (formerly Invitae), Labcorp).

NM_000390.4(CHM):c.1363del (p.Ala455fs)

Gene: CHM (CHM Rab escort protein; minus strand). Cytogenetic location: Xq21.2.
Variant type: Deletion.
Coding change: c.1363del on transcript NM_000390.4 (MANE Select); coding-DNA position 1363, one base deleted (G; older notation c.1363delG).
Protein change: p.Ala455fs; shifts the reading frame from alanine 455.
Molecular consequence: frameshift variant.
Genome position (GRCh38, 1-based): chrX:85,900,696, C deleted on the plus strand (G on the coding strand, the reverse complement: CHM is on the minus strand); the first of 3 consecutive C bases (chrX:85,900,696-85,900,698); deleting any one gives the same sequence. VCF-style (leftmost placement, unchanged base first): chrX-85900695-GC-G. GRCh37 (hg19) VCF-style: chrX-85155700-GC-G.
Other names: c.919del, p.Ala307fs (NM_001320959.1, NM_001362517.1, NM_001362518.2 and 1 more transcripts); c.1363delG (NM_000390.3); short protein forms A307fs, A455fs.
Identifiers: ClinVar variation 866846 (VCV000866846.10), dbSNP rs1926208067, ClinGen allele CA916082495.